The following is an entry in ClinVar:

ClinVar aggregate classification (germline): Uncertain significance. Review status: criteria provided, multiple submitters, no conflicts (2 of 4 stars). 2 submissions from 2 submitters: Uncertain significance (2). Last evaluated 2024-05-13.

Conditions:
Autosomal dominant hypocalcemia 1 (HYPOC1). Also called: HYPOCALCEMIA, FAMILIAL. Identifiers: MedGen C3715128, MONDO:0011013, OMIM 601198.
Familial hypocalciuric hypercalcemia (FHH). Also called: Familial benign hypercalcemia. Identifiers: Orphanet 405, MedGen C1809471, MONDO:0018458.
Neonatal severe primary hyperparathyroidism. Identifiers: Orphanet 417, MedGen C1832615, MONDO:0009397, OMIM 239200.
Epilepsy, idiopathic generalized, susceptibility to, 8. Identifiers: MedGen C2752062, MONDO:0013032, OMIM 612899.
Familial hypocalciuric hypercalcemia 1. Also called: Hypercalcemia, familial benign type 1. Identifiers: Orphanet 405, Orphanet 93372, MedGen C0342637, MONDO:0007791, OMIM 145980.

Allele frequency attached by ClinVar (database versions not stated): gnomAD exomes below 0.00001 and 0.00001; TOPMed below 0.00001; ExAC 0.00001; gnomAD 0.00001.
gnomAD v4.1: 17 of 1,612,780 alleles (0.0011%); highest among the groups gnomAD compares: Non-Finnish European, 0.0014%; no homozygotes.

Submissions (2):

Labcorp Genetics (formerly Invitae), Labcorp
Classification: Uncertain significance for Familial hypocalciuric hypercalcemia; Autosomal dominant hypocalcemia 1. Last evaluated: 2024-05-13. Review status: criteria provided, single submitter. Criteria: Invitae Variant Classification Sherloc (09022015). Collection method: clinical testing. Allele origin: germline.
Comment: This sequence change replaces glutamic acid, which is acidic and polar, with valine, which is neutral and non-polar, at codon 671 of the CASR protein (p.Glu671Val). This variant is present in population databases (rs199957040, gnomAD 0.0009%). This variant has not been reported in the literature in individuals affected with CASR-related conditions. ClinVar contains an entry for this variant (Variation ID: 410338). An algorithm developed to predict the effect of missense changes on protein structure and function (PolyPhen-2) suggests that this variant is likely to be disruptive. In summary, the available evidence is currently insufficient to determine the role of this variant in disease. Therefore, it has been classified as a Variant of Uncertain Significance.

Fulgent Genetics
Classification: Uncertain significance for Familial hypocalciuric hypercalcemia 1; Neonatal severe primary hyperparathyroidism; Autosomal dominant hypocalcemia 1; Epilepsy, idiopathic generalized, susceptibility to, 8. Last evaluated: 2022-02-16. Review status: criteria provided, single submitter. Criteria: ACMG Guidelines, 2015. Collection method: clinical testing. Allele origin: unknown.

NM_000388.4(CASR):c.2012A>T (p.Glu671Val)

Gene: CASR (calcium sensing receptor; plus strand). Cytogenetic location: 3q21.1.
Variant type: single nucleotide variant.
Coding change: c.2012A>T on transcript NM_000388.4 (MANE Select); coding-DNA position 2012, A replaced by T.
Protein change: p.Glu671Val; replaces glutamic acid 671 with valine.
Molecular consequence: missense variant.
Genome position (GRCh38, 1-based): chr3:122,283,966, A>T. VCF-style: chr3-122283966-A-T. GRCh37 (hg19) VCF-style: chr3-122002813-A-T.
Other names: c.2042A>T, p.Glu681Val (NM_001178065.2); short protein forms E671V, E681V.
Identifiers: ClinVar variation 410338 (VCV000410338.12), dbSNP rs199957040, ClinGen allele CA2569767.